The following is an entry in ClinVar:

ClinVar aggregate classification (germline): Pathogenic (1 of 4 stars; one submission).

Conditions:
Fibrosis, neurodegeneration, and cerebral angiomatosis. Also called: Fibrosis-neurodegeneration-cerebral angiomatosis syndrome. Identifiers: Orphanet 621758, MedGen C4748939, MONDO:0032651, OMIM 618278.

Submission:

Variantyx, Inc.
Classification: Pathogenic for Fibrosis, neurodegeneration, and cerebral angiomatosis. Last evaluated: 2026-01-20. Review status: criteria provided, single submitter. Criteria: Variantyx Assertion Criteria 2022. Collection method: clinical testing. Allele origin: germline. Inheritance: Autosomal recessive inheritance.
Comment: This is a frameshift variant in the NHLRC2 gene (OMIM: 618277). Pathogenic variants in this gene have been associated with autosomal recessive FINCA syndrome. This variant introduces a premature termination codon in exon 11 out of 11 and is expected to result in loss of function, which is a known disease mechanism for NHLRC2 in this disorder (PMID: 37188825) (PVS1). This variant has been identified in the homozygous or compound heterozygous state in at least one individual reported in the published literature (PMID: 37188825) (PM3). It has a 0.0013% maximum allele frequency in non-founder control populations (PM2). Based on the current evidence, this variant is classified as pathogenic for autosomal recessive FINCA syndrome.This variant was reported by previous genetic testing.

Literature cited by the submitters: PubMed 37188825.

NM_198514.4(NHLRC2):c.2112_2115del (p.Gln705fs)

Gene: NHLRC2 (NHL repeat containing 2; plus strand). Cytogenetic location: 10q25.3.
Variant type: Microsatellite.
Coding change: c.2112_2115del on transcript NM_198514.4 (MANE Select); coding-DNA positions 2112 to 2115, 4 bases deleted (TCAG; older notation c.2112_2115delTCAG).
Protein change: p.Gln705fs; shifts the reading frame from glutamine 705.
Molecular consequence: frameshift variant.
Genome position (GRCh38, 1-based): chr10:113,908,467-113,908,470, TCAG deleted; deleting any 4 consecutive bases within chr10:113,908,463-113,908,470 gives the same sequence; the c. name uses the placement nearest the transcript's 3' end. VCF-style (leftmost placement, unchanged base first): chr10-113908462-TTCAG-T. GRCh37 (hg19) VCF-style: chr10-115668221-TTCAG-T.
Other names: short protein forms Q705fs.
Identifiers: ClinVar variation 4850219 (VCV004850219.1).